The following is an entry in ClinVar:

ClinVar aggregate classification (germline): Uncertain significance (1 of 4 stars; one submission).

Conditions:
Familial cancer of breast. Also called: hereditary breast carcinoma; BREAST CANCER, FAMILIAL; Hereditary breast cancer. Identifiers: Orphanet 227535, MedGen C0346153, MONDO:0016419, OMIM 114480. Disease mechanism: loss of function.

Submission:

Labcorp Genetics (formerly Invitae), Labcorp
Classification: Uncertain significance for Familial cancer of breast. Last evaluated: 2025-03-27. Review status: criteria provided, single submitter. Criteria: Invitae Variant Classification Sherloc (09022015). Collection method: clinical testing. Allele origin: germline.
Comment: This sequence change replaces valine, which is neutral and non-polar, with phenylalanine, which is neutral and non-polar, at codon 248 of the BARD1 protein (p.Val248Phe). This variant is not present in population databases (gnomAD no frequency). This variant has not been reported in the literature in individuals affected with BARD1-related conditions. An algorithm developed to predict the effect of missense changes on protein structure and function (PolyPhen-2) suggests that this variant is likely to be disruptive. In summary, the available evidence is currently insufficient to determine the role of this variant in disease. Therefore, it has been classified as a Variant of Uncertain Significance.

NM_000465.4(BARD1):c.742G>T (p.Val248Phe)

Gene: BARD1 (BRCA1 associated RING domain 1; minus strand). Cytogenetic location: 2q35.
Variant type: single nucleotide variant.
Coding change: c.742G>T on transcript NM_000465.4 (MANE Select); coding-DNA position 742, G replaced by T.
Protein change: p.Val248Phe; replaces valine 248 with phenylalanine.
Molecular consequence: missense variant. On other transcripts: non-coding transcript variant (2), intron variant (3).
Genome position (GRCh38, 1-based): chr2:214,781,132, C>A on the plus strand (G>T on the coding strand, the complement: BARD1 is on the minus strand). VCF-style: chr2-214781132-C-A. GRCh37 (hg19) VCF-style: chr2-215645856-C-A.
Other names: c.685G>T, p.Val229Phe (NM_001282543.2); c.158+28280G>T (NM_001282548.2); c.215+15929G>T (NM_001282545.2); c.364+11165G>T (NM_001282549.2); short protein forms V229F, V248F.
Identifiers: ClinVar variation 4715969 (VCV004715969.1).